The following is an entry in ClinVar:

ClinVar aggregate classification (germline): Uncertain significance (1 of 4 stars; one submission).

Conditions:
Eichsfeld type congenital muscular dystrophy (CMYO3). Also called: MYOPATHY, SEPN1-RELATED; SELENON-related myopathy; Congenital myopathy 3 with rigid spine; Rigid spine muscular dystrophy 1. Identifiers: MedGen C0410180, MONDO:0100100, OMIM 602771.

Allele frequency attached by ClinVar (database versions not stated): gnomAD exomes below 0.00001.
gnomAD v4.1: 1 of 1,614,198 alleles (0.000062%); highest among the groups gnomAD compares: South Asian, 0.0011%; no homozygotes.

Submission:

Labcorp Genetics (formerly Invitae), Labcorp
Classification: Uncertain significance for Eichsfeld type congenital muscular dystrophy. Last evaluated: 2022-08-16. Review status: criteria provided, single submitter. Criteria: Invitae Variant Classification Sherloc (09022015). Collection method: clinical testing. Allele origin: germline.
Comment: This sequence change replaces alanine, which is neutral and non-polar, with threonine, which is neutral and polar, at codon 512 of the SELENON protein (p.Ala512Thr). This variant is present in population databases (no rsID available, gnomAD 0.003%). This variant has not been reported in the literature in individuals affected with SELENON-related conditions. ClinVar contains an entry for this variant (Variation ID: 1393847). Algorithms developed to predict the effect of missense changes on protein structure and function are either unavailable or do not agree on the potential impact of this missense change (SIFT: "Deleterious"; PolyPhen-2: "Probably Damaging"; Align-GVGD: "Class C0"). In summary, the available evidence is currently insufficient to determine the role of this variant in disease. Therefore, it has been classified as a Variant of Uncertain Significance.

NM_206926.2(SELENON):c.1432G>A (p.Ala478Thr)

Gene: SELENON (selenoprotein N; plus strand). Cytogenetic location: 1p36.11.
Variant type: single nucleotide variant.
Coding change: c.1432G>A on transcript NM_206926.2 (MANE Select); coding-DNA position 1432, G replaced by A.
Protein change: p.Ala478Thr; replaces alanine 478 with threonine.
Molecular consequence: missense variant.
Genome position (GRCh38, 1-based): chr1:25,814,110, G>A. VCF-style: chr1-25814110-G-A. GRCh37 (hg19) VCF-style: chr1-26140601-G-A.
Other names: c.1534G>A, p.Ala512Thr (NM_020451.3); short protein forms A512T, A478T.
Identifiers: ClinVar variation 1393847 (VCV001393847.5), dbSNP rs1358541711, ClinGen allele CA339119859.